The following is an entry in ClinVar:

ClinVar aggregate classification (germline): Pathogenic (1 of 4 stars; one submission).

Conditions:
Inosine triphosphatase deficiency. Also called: INOSINE TRIPHOSPHATE PYROPHOSPHOHYDROLASE DEFICIENCY. Identifiers: MedGen C0342800, MONDO:0013461, OMIM 613850.

Submission:

Labcorp Genetics (formerly Invitae), Labcorp
Classification: Pathogenic for Inosine triphosphatase deficiency. Last evaluated: 2017-12-05. Review status: criteria provided, single submitter. Criteria: Invitae Variant Classification Sherloc (09022015). Collection method: clinical testing. Allele origin: germline.
Comment: For these reasons, this variant has been classified as Pathogenic. Loss-of-function variants in ITPA are known to be pathogenic (PMID: 26224535). This variant has not been reported in the literature in individuals with ITPA-related disease. This variant is not present in population databases (ExAC no frequency). This sequence change creates a premature translational stop signal (p.Trp90Cysfs*6) in the ITPA gene. It is expected to result in an absent or disrupted protein product.

Literature cited by the submitters: PubMed 26224535.

NM_033453.4(ITPA):c.270del (p.Trp90fs)

Gene: ITPA (inosine triphosphatase; plus strand). Cytogenetic location: 20p13.
Variant type: Deletion.
Coding change: c.270del on transcript NM_033453.4 (MANE Select); coding-DNA position 270, one base deleted (G; older notation c.270delG).
Protein change: p.Trp90fs; shifts the reading frame from tryptophan 90.
Molecular consequence: frameshift variant. On other transcripts: 5 prime UTR variant (4), non-coding transcript variant (2).
Genome position (GRCh38, 1-based): chr20:3,215,287, G deleted; the last of 2 consecutive G bases (chr20:3,215,286-3,215,287); deleting either gives the same sequence. VCF-style (leftmost placement, unchanged base first): chr20-3215285-TG-T. GRCh37 (hg19) VCF-style: chr20-3195931-TG-T.
Other names: c.147del, p.Trp49fs (NM_001267623.2); c.-68del (NM_001324236.2, NM_001324237.2, NM_001324238.2 and 1 more transcripts); c.270del, p.Trp90fs (NM_001324240.2); c.219del, p.Trp73fs (NM_181493.4); short protein forms W49fs, W73fs, W90fs.
Identifiers: ClinVar variation 533413 (VCV000533413.7), dbSNP rs1381781375, ClinGen allele CA658799318.